The following is an entry in ClinVar:

NM_201590.3(CACNB2):c.51G>A (p.Gly17=)

Gene: CACNB2 (calcium voltage-gated channel auxiliary subunit beta 2; plus strand). Cytogenetic location: 10p12.32.
Variant type: single nucleotide variant.
Coding change: c.51G>A on transcript NM_201590.3 (MANE Plus Clinical); coding-DNA position 51, G replaced by A.
Protein change: p.Gly17=; no amino-acid change (glycine 17 retained).
Molecular consequence: synonymous variant. On other transcripts: intron variant (8).
Genome position (GRCh38, 1-based): chr10:18,340,977, G>A. VCF-style: chr10-18340977-G-A. GRCh37 (hg19) VCF-style: chr10-18629906-G-A.
Other names: c.130-60947G>A (NM_201571.4, NM_001167945.2, NM_201572.4); c.214-60947G>A (NM_201596.3, NM_201593.3, NM_201597.3); c.49-60947G>A (NM_000724.4, NM_001330060.2).
Identifiers: ClinVar variation 2127551 (VCV002127551.4), dbSNP rs1810112746, ClinGen allele CA2580081377.

ClinVar aggregate classification (germline): Uncertain significance (1 of 4 stars; one submission).

Conditions:
Brugada syndrome 4 (BRGDA4). Identifiers: Orphanet 130, MedGen C2678477, MONDO:0012743, OMIM 611876.

gnomAD v4.1: 1 of 1,614,010 alleles (0.000062%); no homozygotes.

Submission:

Labcorp Genetics (formerly Invitae), Labcorp
Classification: Uncertain significance for Brugada syndrome 4. Last evaluated: 2022-04-18. Review status: criteria provided, single submitter. Criteria: Invitae Variant Classification Sherloc (09022015). Collection method: clinical testing. Allele origin: germline.
Comment: In summary, the available evidence is currently insufficient to determine the role of this variant in disease. Therefore, it has been classified as a Variant of Uncertain Significance. Variants that disrupt the consensus splice site are a relatively common cause of aberrant splicing (PMID: 17576681, 9536098). Algorithms developed to predict the effect of sequence changes on RNA splicing suggest that this variant may disrupt the consensus splice site. This variant has not been reported in the literature in individuals affected with CACNB2-related conditions. This variant is not present in population databases (gnomAD no frequency). This sequence change affects codon 17 of the CACNB2 mRNA. It is a 'silent' change, meaning that it does not change the encoded amino acid sequence of the CACNB2 protein. This variant also falls at the last nucleotide of exon 1, which is part of the consensus splice site for this exon.

Literature cited by the submitters: PubMed 17576681; PubMed 9536098.